The following is an entry in ClinVar:

ClinVar aggregate classification (germline): Uncertain significance (1 of 4 stars; one submission).

Conditions:
Biotin-responsive basal ganglia disease (BTBGD). Also called: Thiamine metabolism dysfunction syndrome type 2; Thiamine metabolism dysfunction syndrome 2 (biotin- or thiamine-responsive encephalopathy type 2); thiamine-responsive encephalopathy; Thiamine Transporter-2 Deficiency; THIAMINE METABOLISM DYSFUNCTION SYNDROME 2 (BIOTIN- AND THIAMINE-RESPONSIVE TYPE). Identifiers: Orphanet 199348, Orphanet 65284, MedGen C1843807, MONDO:0011841, OMIM 607483.

Submission:

Labcorp Genetics (formerly Invitae), Labcorp
Classification: Uncertain significance for Biotin-responsive basal ganglia disease. Last evaluated: 2022-06-22. Review status: criteria provided, single submitter. Criteria: Invitae Variant Classification Sherloc (09022015). Collection method: clinical testing. Allele origin: germline.
Comment: In summary, the available evidence is currently insufficient to determine the role of this variant in disease. Therefore, it has been classified as a Variant of Uncertain Significance. Advanced modeling of protein sequence and biophysical properties (such as structural, functional, and spatial information, amino acid conservation, physicochemical variation, residue mobility, and thermodynamic stability) performed at Invitae indicates that this missense variant is not expected to disrupt SLC19A3 protein function. This variant has not been reported in the literature in individuals affected with SLC19A3-related conditions. This variant is not present in population databases (gnomAD no frequency). This sequence change replaces alanine, which is neutral and non-polar, with threonine, which is neutral and polar, at codon 153 of the SLC19A3 protein (p.Ala153Thr).

NM_025243.4(SLC19A3):c.457G>A (p.Ala153Thr)

Gene: SLC19A3 (solute carrier family 19 member 3; minus strand). Cytogenetic location: 2q36.3.
Variant type: single nucleotide variant.
Coding change: c.457G>A on transcript NM_025243.4 (MANE Select); coding-DNA position 457, G replaced by A.
Protein change: p.Ala153Thr; replaces alanine 153 with threonine.
Molecular consequence: missense variant.
Genome position (GRCh38, 1-based): chr2:227,699,258, C>T on the plus strand (G>A on the coding strand, the complement: SLC19A3 is on the minus strand). VCF-style: chr2-227699258-C-T. GRCh37 (hg19) VCF-style: chr2-228563974-C-T.
Other names: c.457G>A, p.Ala153Thr (NM_001371411.1, NM_001371412.1); c.445G>A, p.Ala149Thr (NM_001371413.1, NM_001371414.1); short protein forms A149T, A153T.
Identifiers: ClinVar variation 2008893 (VCV002008893.4), dbSNP rs759400157, ClinGen allele CA350877177.
Genomic context (GRCh38, chr2:227,699,258, plus strand): 5'-TGAGGTAAAAGTACGACATGTTCGCCAGGGATACCAAGAGTTGAGCCAGCACCGACCCTG[C>T]TGTGTAGGCGGCCAGCGTGACGCTCCTGCAGTAGCCGCTCACTCTCTGGTAGTGCTCGGG-3'
Protein context (NP_079519.1, residues 143-163): CRSVTLAAYT[Ala153Thr]GSVLAQLLVS